The following is an entry in ClinVar:

NC_000023.10:g.(?_44732798)_(44733253_?)dup

Gene: KDM6A (lysine demethylase 6A; plus strand). Cytogenetic location: Xp11.3.
Variant type: Duplication.
Identifiers: ClinVar variation 1412284 (VCV001412284.4).

ClinVar aggregate classification (germline): Uncertain significance (1 of 4 stars; one submission).

Conditions:
Kabuki syndrome 2 (KABUK2). Also called: KDM6A-Related Kabuki Syndrome. Identifiers: Orphanet 2322, MedGen C3275495, MONDO:0010465, OMIM 300867.

Submission:

Labcorp Genetics (formerly Invitae), Labcorp
Classification: Uncertain significance for Kabuki syndrome 2. Last evaluated: 2021-07-04. Review status: criteria provided, single submitter. Criteria: Invitae Variant Classification Sherloc (09022015). Collection method: clinical testing. Allele origin: germline.
Comment: This variant results in a copy number gain of the genomic region encompassing exon(s) 1-2 of the KDM6A gene. This region includes the initiator codon of the gene. The 5' end of this event is unknown as it extends beyond the assayed region for this gene and therefore may encompass additional genes. The 3' boundary is likely confined to intron 2 of the KDM6A gene. As the precise location of this event is unknown, it may be in tandem or it may be located elsewhere in the genome. This variant has not been reported in the literature in individuals affected with KDM6A-related conditions. In summary, the available evidence is currently insufficient to determine the role of this variant in disease. Therefore, it has been classified as a Variant of Uncertain Significance.